The following is an entry in ClinVar:

ClinVar aggregate classification (germline): Uncertain significance (1 of 4 stars; one submission).

Conditions:
TTC21B-related disorder. Also called: TTC21B-related condition; TTC21B-related disorders.

gnomAD v4.1: 4 of 1,614,074 alleles (0.00025%); highest among the groups gnomAD compares: Middle Eastern, 0.017%; no homozygotes.

Submission:

PreventionGenetics, part of Exact Sciences
Classification: Uncertain significance for TTC21B-related condition. Last evaluated: 2024-10-16. Review status: criteria provided, single submitter. Criteria: ACMG Guidelines, 2015. Collection method: clinical testing. Allele origin: germline.
Comment: The TTC21B c.1933C>T variant is predicted to result in the amino acid substitution p.His645Tyr. To our knowledge, this variant has not been reported in the literature or in a large population database (gnomAD), indicating this variant is rare. At this time, the clinical significance of this variant is uncertain due to the absence of conclusive functional and genetic evidence.

NM_024753.5(TTC21B):c.1933C>T (p.His645Tyr)

Gene: TTC21B (tetratricopeptide repeat domain 21B; minus strand). Cytogenetic location: 2q24.3.
Variant type: single nucleotide variant.
Coding change: c.1933C>T on transcript NM_024753.5 (MANE Select); coding-DNA position 1933, C replaced by T.
Protein change: p.His645Tyr; replaces histidine 645 with tyrosine.
Molecular consequence: missense variant.
Genome position (GRCh38, 1-based): chr2:165,915,406, G>A on the plus strand (C>T on the coding strand, the complement: TTC21B is on the minus strand). VCF-style: chr2-165915406-G-A. GRCh37 (hg19) VCF-style: chr2-166771916-G-A.
Other names: short protein forms H645Y.
Identifiers: ClinVar variation 4998234 (VCV004998234.1).